The following is an entry in ClinVar:

ClinVar aggregate classification (germline): Uncertain significance. Review status: criteria provided, multiple submitters, no conflicts (2 of 4 stars). 2 submissions from 2 submitters: Uncertain significance (2). Last evaluated 2025-11-05.

Conditions:
Inborn genetic diseases. Identifiers: MedGen C0950123, MeSH D030342.

Allele frequency attached by ClinVar (database versions not stated): gnomAD 0.00001; gnomAD exomes 0.00002; TOPMed 0.00002.
gnomAD v4.1: 36 of 1,565,690 alleles (0.0023%); highest among the groups gnomAD compares: Non-Finnish European, 0.0029%; no homozygotes.

Submissions (2):

Ambry Genetics
Classification: Uncertain significance for Inborn genetic diseases. Last evaluated: 2025-11-05. Review status: criteria provided, single submitter. Criteria: Ambry Variant Classification Scheme 2023. Collection method: clinical testing. Allele origin: germline.

Labcorp Genetics (formerly Invitae), Labcorp
Classification: Uncertain significance. Last evaluated: 2022-11-15. Review status: criteria provided, single submitter. Criteria: Invitae Variant Classification Sherloc (09022015). Collection method: clinical testing. Allele origin: germline.
Comment: In summary, the available evidence is currently insufficient to determine the role of this variant in disease. Therefore, it has been classified as a Variant of Uncertain Significance. Advanced modeling of protein sequence and biophysical properties (such as structural, functional, and spatial information, amino acid conservation, physicochemical variation, residue mobility, and thermodynamic stability) performed at Invitae indicates that this missense variant is not expected to disrupt SLC30A10 protein function. This variant has not been reported in the literature in individuals affected with SLC30A10-related conditions. This variant is present in population databases (no rsID available, gnomAD 0.007%). This sequence change replaces alanine, which is neutral and non-polar, with valine, which is neutral and non-polar, at codon 105 of the SLC30A10 protein (p.Ala105Val).

NM_018713.3(SLC30A10):c.314C>T (p.Ala105Val)

Gene: SLC30A10 (solute carrier family 30 member 10; minus strand). Cytogenetic location: 1q41.
Variant type: single nucleotide variant.
Coding change: c.314C>T on transcript NM_018713.3 (MANE Select); coding-DNA position 314, C replaced by T.
Protein change: p.Ala105Val; replaces alanine 105 with valine.
Molecular consequence: missense variant. On other transcripts: non-coding transcript variant (1), intron variant (1).
Genome position (GRCh38, 1-based): chr1:219,928,127, G>A on the plus strand (C>T on the coding strand, the complement: SLC30A10 is on the minus strand). VCF-style: chr1-219928127-G-A. GRCh37 (hg19) VCF-style: chr1-220101469-G-A.
Other names: c.314C>T (NM_018713.2); c.452-1022C>T (NM_001376929.1); short protein forms A105V.
Identifiers: ClinVar variation 2174943 (VCV002174943.5), dbSNP rs868776637, ClinGen allele CA37949478.